The following is an entry in ClinVar:

NM_004360.5(CDH1):c.1590dup (p.Asn531fs)

Gene: CDH1 (cadherin 1; plus strand). Cytogenetic location: 16q22.1.
Variant type: Duplication.
Coding change: c.1590dup on transcript NM_004360.5 (MANE Select); coding-DNA position 1590, one base duplicated (C; older notation c.1590dupC).
Protein change: p.Asn531fs; shifts the reading frame from asparagine 531.
Molecular consequence: frameshift variant. On other transcripts: intron variant (1).
Genome position (GRCh38, 1-based): chr16:68,819,304, C duplicated; the last of 2 consecutive C bases (chr16:68,819,303-68,819,304); duplicating either gives the same sequence. VCF-style (leftmost placement, unchanged base first): chr16-68819302-G-GC. GRCh37 (hg19) VCF-style: chr16-68853205-G-GC.
Other names: c.1407dup, p.Asn470fs (NM_001317184.2); c.42dup, p.Asn15fs (NM_001317185.2); c.-254-2697dup (NM_001317186.2); c.1590dupC (NM_004360.3); c.1590dup (LRG_301t1); short protein forms N15fs, N470fs, N531fs.
Identifiers: ClinVar variation 449339 (VCV000449339.18), dbSNP rs1555516535, ClinGen allele CA658658491.

ClinVar aggregate classification (germline): Pathogenic. Review status: reviewed by expert panel (3 of 4 stars). 6 submissions from 6 submitters: Pathogenic (1). 5 of the submissions do not count toward it. Last evaluated 2023-08-25.

Conditions:
CDH1-related diffuse gastric and lobular breast cancer syndrome. Also called: CDH1-related diffuse gastric and lobular breast cancer. Identifiers: MedGen CN311521, MONDO:0100488.
Hereditary diffuse gastric adenocarcinoma (HDGC). Also called: DIFFUSE GASTRIC AND LOBULAR BREAST CANCER SYNDROME. Identifiers: Orphanet 26106, MedGen C1708349, MONDO:0007648, OMIM 137215.
Familial cancer of breast. Also called: Hereditary breast cancer; hereditary breast carcinoma; BREAST CANCER, FAMILIAL. Identifiers: Orphanet 227535, MedGen C0346153, MONDO:0016419, OMIM 114480. Disease mechanism: loss of function.

Submissions (6):

Clingen Gastric Cancer Variant Curation Expert Panel
Classification: Pathogenic for CDH1-related diffuse gastric and lobular breast cancer syndrome. Last evaluated: 2023-08-25. Review status: reviewed by expert panel. Criteria: ClinGen CDH1 ACMG Specifications V3.1. Collection method: curation. Allele origin: germline. Inheritance: Autosomal dominant inheritance.
Comment: The c.1590dup (p.Asn531fs) variant is predicted to result in a premature stop codon that leads to a truncated or absent protein (PVS1, PM5_Supporting). The variant is absent in the gnomAD cohort (PM2_Supporting). This variant has been reported in a family meeting HDGC clinical criteria (PS4_Supporting, PMID: 10477433). In summary, this variant meets criteria to be classified as Pathogenic based on the ACMG/AMP criteria applied as specified by the CDH1 Variant Curation Expert Panel (Variant Interpretation Guidelines Version 3.1): PVS1, PM2_Supporting, PS4_Supporting, PM5_Supporting.

Myriad Genetics, Inc.
Classification: Pathogenic for Hereditary diffuse gastric adenocarcinoma. Last evaluated: 2023-06-14. Review status: criteria provided, single submitter. Criteria: Myriad Autosomal Dominant, Autosomal Recessive and X-Linked Classification Criteria (2023). Collection method: clinical testing. Allele origin: unknown. Not counted in ClinVar's aggregate classification.
Comment: This variant is considered pathogenic. This variant creates a frameshift predicted to result in premature protein truncation.

Labcorp Genetics (formerly Invitae), Labcorp
Classification: Pathogenic for Hereditary diffuse gastric adenocarcinoma. Last evaluated: 2023-04-07. Review status: criteria provided, single submitter. Criteria: Invitae Variant Classification Sherloc (09022015). Collection method: clinical testing. Allele origin: germline. Not counted in ClinVar's aggregate classification.
Comment: For these reasons, this variant has been classified as Pathogenic. ClinVar contains an entry for this variant (Variation ID: 449339). This premature translational stop signal has been observed in individual(s) with gastric cancer (PMID: 10477433). This variant is not present in population databases (gnomAD no frequency). This sequence change creates a premature translational stop signal (p.Asn531Glnfs*6) in the CDH1 gene. It is expected to result in an absent or disrupted protein product. Loss-of-function variants in CDH1 are known to be pathogenic (PMID: 15235021, 20373070).

Baylor Genetics
Classification: Pathogenic for Familial cancer of breast. Last evaluated: 2023-01-19. Review status: criteria provided, single submitter. Criteria: ACMG Guidelines, 2015. Collection method: clinical testing. Allele origin: unknown. Not counted in ClinVar's aggregate classification.

GeneDx
Classification: Pathogenic. Last evaluated: 2017-03-01. Review status: criteria provided, single submitter. Criteria: GeneDx Variant Classification (06012015). Collection method: clinical testing. Allele origin: germline. Affected: yes. Not counted in ClinVar's aggregate classification.
Comment: This duplication of one nucleotide in CDH1 is denoted c.1590dupC at the cDNA level and p.Asn531GlnfsX6 (N531QfsX6) at the protein level. The normal sequence, with the base that is duplicated in brackets, is CTGC[dupC]AACT. The duplication causes a frameshift which changes an Asparagine to a Glutamine at codon 531, and creates a premature stop codon at position 6 of the new reading frame. This variant is predicted to cause loss of normal protein function through either protein truncation or nonsense-mediated mRNA decay. CDH1 c.1590dupC, also known as 1588insC using alternate nomenclature, has been reported in a Hereditary Diffuse Gastric Cancer family (Guilford 1999). We consider this variant to be pathogenic.

OMIM
Classification: Pathogenic for DIFFUSE GASTRIC AND LOBULAR BREAST CANCER SYNDROME. Last evaluated: 2001-07-01. Review status: no assertion criteria provided. Collection method: literature only. Allele origin: germline. Not counted in ClinVar's aggregate classification.

Literature cited by the submitters: PubMed 10477433 (cited by Labcorp Genetics (formerly Invitae), Labcorp and OMIM); PubMed 15235021 (cited by Labcorp Genetics (formerly Invitae), Labcorp); PubMed 20373070 (cited by Labcorp Genetics (formerly Invitae), Labcorp); PubMed 11443625 (cited by OMIM).